The following is an entry in ClinVar:

ClinVar aggregate classification (germline): Benign. Review status: criteria provided, multiple submitters, no conflicts (2 of 4 stars). 2 submissions from 2 submitters: Benign (2). Last evaluated 2018-01-12.

Conditions:
Fanconi anemia complementation group P. Also called: SLX4-Related Fanconi Anemia. Identifiers: Orphanet 84, MedGen C3469542, MONDO:0013499, OMIM 613951.

Allele frequency attached by ClinVar (database versions not stated): gnomAD exomes 0.00256; 1000 Genomes Project 30x 0.00703; 1000 Genomes Project 0.00739; gnomAD 0.00870 and 0.00927; TOPMed 0.01011.
gnomAD v4.1: 1,395 of 165,070 alleles (0.85%); highest among the groups gnomAD compares: African/African-American, 2.4%; 12 homozygotes.

Submissions (2):

Illumina Laboratory Services, Illumina
Classification: Benign for Fanconi anemia complementation group P. Last evaluated: 2018-01-12. Review status: criteria provided, single submitter. Criteria: ICSL Variant Classification Criteria 13 December 2019. Collection method: clinical testing. Allele origin: germline.
Comment: This variant was observed in the ICSL laboratory as part of a predisposition screen in an ostensibly healthy population. It had not been previously curated by ICSL or reported in the Human Gene Mutation Database (HGMD: prior to June 1st, 2018), and was therefore a candidate for classification through an automated scoring system. Utilizing variant allele frequency, disease prevalence and penetrance estimates, and inheritance mode, an automated score was calculated to assess if this variant is too frequent to cause the disease. Based on the score and internal cut-off values, a variant classified as benign is not then subjected to further curation. The score for this variant resulted in a classification of benign for this disease.

Breakthrough Genomics
Classification: Benign. Review status: criteria provided, single submitter. Criteria: ACMG Guidelines, 2015. Collection method: not provided. Allele origin: germline. Inheritance: Autosomal recessive inheritance. Affected: yes.

NM_032444.4(SLX4):c.*555C>T

Gene: SLX4 (SLX4 structure-specific endonuclease subunit; minus strand). Cytogenetic location: 16p13.3.
Variant type: single nucleotide variant.
Coding change: c.*555C>T on transcript NM_032444.4 (MANE Select); 555 bases downstream of the stop codon, C replaced by T.
Molecular consequence: 3 prime UTR variant.
Genome position (GRCh38, 1-based): chr16:3,581,787, G>A on the plus strand (C>T on the coding strand, the complement: SLX4 is on the minus strand). VCF-style: chr16-3581787-G-A. GRCh37 (hg19) VCF-style: chr16-3631788-G-A.
Other names: c.*555C>T (LRG_503t1).
Identifiers: ClinVar variation 319134 (VCV000319134.6), dbSNP rs146163310, ClinGen allele CA10643575.